The following is an entry in ClinVar:

NM_001365951.3(KIF1B):c.3322G>C (p.Gly1108Arg)

Gene: KIF1B (kinesin family member 1B; plus strand). Cytogenetic location: 1p36.22.
Variant type: single nucleotide variant.
Coding change: c.3322G>C on transcript NM_001365951.3 (MANE Select); coding-DNA position 3322, G replaced by C.
Protein change: p.Gly1108Arg; replaces glycine 1108 with arginine.
Molecular consequence: missense variant.
Genome position (GRCh38, 1-based): chr1:10,337,433, G>C. VCF-style: chr1-10337433-G-C. GRCh37 (hg19) VCF-style: chr1-10397491-G-C.
Other names: c.3322G>C, p.Gly1108Arg (NM_001365952.1); c.3184G>C, p.Gly1062Arg (NM_015074.3); short protein forms G1062R, G1108R.
Identifiers: ClinVar variation 3226443 (VCV003226443.1), dbSNP rs2521721775, ClinGen allele CA338340470.

ClinVar aggregate classification (germline): Uncertain significance (1 of 4 stars; one submission).

Submission:

Ambry Genetics
Classification: Uncertain significance. Last evaluated: 2023-10-27. Review status: criteria provided, single submitter. Criteria: Ambry Variant Classification Scheme 2023. Collection method: clinical testing. Allele origin: germline.
Comment: The p.G1062R variant (also known as c.3184G>C), located in coding exon 28 of the KIF1B gene, results from a G to C substitution at nucleotide position 3184. The glycine at codon 1062 is replaced by arginine, an amino acid with dissimilar properties. This amino acid position is conserved. In addition, the in silico prediction for this alteration is inconclusive. Since supporting evidence is limited at this time, the clinical significance of this alteration remains unclear.